The following is an entry in ClinVar:

ClinVar aggregate classification (germline): Uncertain significance. Review status: criteria provided, multiple submitters, no conflicts (2 of 4 stars). 2 submissions from 2 submitters: Uncertain significance (2). Last evaluated 2025-10-23.

Submissions (2):

Women's Health and Genetics/Laboratory Corporation of America, LabCorp
Classification: Uncertain significance. Last evaluated: 2025-10-23. Review status: criteria provided, single submitter. Criteria: LabCorp Variant Classification Summary - May 2015. Collection method: clinical testing. Allele origin: germline.
Comment: Variant summary: DCHS1 c.9744_9745delinsCT (p.Ala3249Ser) results in a conservative amino acid change in the encoded protein sequence. Algorithms developed to predict the effect of missense changes on protein structure and function are either unavailable or do not agree on the potential impact of this missense change. The variant was absent in 248866 control chromosomes. The available data on variant occurrences in the general population are insufficient to allow any conclusion about variant significance. To our knowledge, no occurrence of c.9744_9745delinsCT in individuals affected with DCHS1-related conditions and no experimental evidence demonstrating its impact on protein function have been reported. ClinVar contains an entry for this variant (Variation ID: 2959697). Based on the evidence outlined above, the variant was classified as uncertain significance.

Labcorp Genetics (formerly Invitae), Labcorp
Classification: Uncertain significance. Last evaluated: 2025-05-18. Review status: criteria provided, single submitter. Criteria: Invitae Variant Classification Sherloc (09022015). Collection method: clinical testing. Allele origin: germline.
Comment: This sequence change replaces alanine, which is neutral and non-polar, with serine, which is neutral and polar, at codon 3249 of the DCHS1 protein (p.Ala3249Ser). Information on the frequency of this variant in the gnomAD database is not available, as this variant may be reported differently in the database. This variant has not been reported in the literature in individuals affected with DCHS1-related conditions. ClinVar contains an entry for this variant (Variation ID: 2959697). Experimental studies and prediction algorithms are not available or were not evaluated, and the functional significance of this variant is currently unknown. In summary, the available evidence is currently insufficient to determine the role of this variant in disease. Therefore, it has been classified as a Variant of Uncertain Significance.

NM_003737.4(DCHS1):c.9744_9745delinsCT (p.Ala3249Ser)

Gene: DCHS1 (dachsous cadherin-related 1; minus strand). Cytogenetic location: 11p15.4.
Variant type: Indel.
Coding change: c.9744_9745delinsCT on transcript NM_003737.4 (MANE Select); coding-DNA positions 9744 to 9745, TG replaced by CT.
Protein change: p.Ala3249Ser; replaces alanine 3249 with serine.
Molecular consequence: missense variant.
Genome position (GRCh38, 1-based): chr11:6,621,931-6,621,932, CA replaced by AG on the plus strand (TG replaced by CT on the coding strand, the reverse complement: DCHS1 is on the minus strand). VCF-style: chr11-6621931-CA-AG. GRCh37 (hg19) VCF-style: chr11-6643162-CA-AG.
Other names: short protein forms A3249S.
Identifiers: ClinVar variation 2959697 (VCV002959697.4), dbSNP rs2493807544, ClinGen allele CA2740093625.